The following is an entry in ClinVar:

NM_001371928.1(AHDC1):c.248C>G (p.Pro83Arg)

Gene: AHDC1 (AT-hook DNA binding motif containing 1; minus strand). Cytogenetic location: 1p36.11.
Variant type: single nucleotide variant.
Coding change: c.248C>G on transcript NM_001371928.1 (MANE Select); coding-DNA position 248, C replaced by G.
Protein change: p.Pro83Arg; replaces proline 83 with arginine.
Molecular consequence: missense variant.
Genome position (GRCh38, 1-based): chr1:27,551,868, G>C on the plus strand (C>G on the coding strand, the complement: AHDC1 is on the minus strand). VCF-style: chr1-27551868-G-C. GRCh37 (hg19) VCF-style: chr1-27878379-G-C.
Other names: c.248C>G, p.Pro83Arg (NM_001029882.3); short protein forms P83R.
Identifiers: ClinVar variation 1175451 (VCV001175451.7), dbSNP rs751027836, ClinGen allele CA716191.
Genomic context (GRCh38, chr1:27,551,868, plus strand): 5'-TCTCCGACCGGTGTGGGGCAGCGGGCCTGTGAGACAGGACGGGCTGCCCGTGGGGGCAGC[G>C]GGTCGTCCCCCTTGGCAAGGACTGGTGGGCGCCGGGTGCTGGGGTCCCGGCGTGGGGGTG-3'
Protein context (NP_001358857.1, residues 73-93): RPPVLAKGDD[Pro83Arg]LPPRAARPVS

ClinVar aggregate classification (germline): Benign/Likely benign. Review status: criteria provided, multiple submitters, no conflicts (2 of 4 stars). 3 submissions from 3 submitters: Benign (1); Likely benign (1). 1 of the submissions does not count toward it. Last evaluated 2024-12-28.

Conditions:
AHDC1-related disorder. Also called: AHDC1-related condition.

gnomAD v4.1: 52 of 1,608,788 alleles (0.0032%); highest among the groups gnomAD compares: African/African-American, 0.067%; no homozygotes.

Submissions (3):

Labcorp Genetics (formerly Invitae), Labcorp
Classification: Likely benign. Last evaluated: 2024-12-28. Review status: criteria provided, single submitter. Criteria: Invitae Variant Classification Sherloc (09022015). Collection method: clinical testing. Allele origin: germline.

GeneDx
Classification: Benign. Last evaluated: 2020-03-02. Review status: criteria provided, single submitter. Criteria: GeneDx Variant Classification Process June 2021. Collection method: clinical testing. Allele origin: germline. Affected: yes.

PreventionGenetics, part of Exact Sciences
Classification: Likely benign for AHDC1-related condition. Last evaluated: 2022-05-06. Review status: no assertion criteria provided. Collection method: clinical testing. Allele origin: germline. Not counted in ClinVar's aggregate classification.
Comment: This variant is classified as likely benign based on ACMG/AMP sequence variant interpretation guidelines (Richards et al. 2015 PMID: 25741868, with internal and published modifications).